The following is an entry in ClinVar:

NM_000548.5:c.1608_5189del

Gene: TSC2 (TSC complex subunit 2; plus strand).
Variant type: Deletion.
Other names: c.1608_5189del (NM_000548.5).
Identifiers: ClinVar variation 3777214 (VCV003777214.1).

ClinVar aggregate classification (germline): Pathogenic (1 of 4 stars; one submission).

Conditions:
Tuberous sclerosis 2 (TSC2). Identifiers: Orphanet 805, MedGen C1860707, MONDO:0013199, OMIM 613254.

Submission:

Oasi Research Institute-IRCCS
Classification: Pathogenic for Tuberous sclerosis 2. Review status: criteria provided, single submitter. Criteria: ACMG Guidelines, 2015. Collection method: research. Allele origin: de novo. Affected: yes.
Comment: The genomic variant represents a large deletion within the coding sequence of the gene. This deletion may lead to a frameshift mutation. It is expected to result in an protein truncation or nonsense mediated decay ACMG criteria: PVS1 (LOF), PP4 (phenotype match), PM2 (absent from control), PP3 (in silico evidence), PS2 (de novo) = Pathogenic. Based on the evidence outlined above, the variant was classified as Pathogenic.